The following is an entry in ClinVar:

NM_152641.4(ARID2):c.4300G>T (p.Ala1434Ser)

Gene: ARID2 (AT-rich interaction domain 2; plus strand). Cytogenetic location: 12q12.
Variant type: single nucleotide variant.
Coding change: c.4300G>T on transcript NM_152641.4 (MANE Select); coding-DNA position 4300, G replaced by T.
Protein change: p.Ala1434Ser; replaces alanine 1434 with serine.
Molecular consequence: missense variant.
Genome position (GRCh38, 1-based): chr12:45,852,423, G>T. VCF-style: chr12-45852423-G-T. GRCh37 (hg19) VCF-style: chr12-46246206-G-T.
Other names: c.4300G>T, p.Ala1434Ser (NM_001347839.2); c.4300G>T (NM_152641.3); short protein forms A1434S.
Identifiers: ClinVar variation 133568 (VCV000133568.9), dbSNP rs150136669, ClinGen allele CA156964.

ClinVar aggregate classification (germline): Benign. Review status: criteria provided, multiple submitters, no conflicts (2 of 4 stars). 5 submissions from 5 submitters: Benign (3). 2 of the submissions do not count toward it. Last evaluated 2021-07-19.

Conditions:
ARID2-related disorder. Also called: ARID2-related condition.
Coffin-Siris syndrome 6. Identifiers: MedGen C4540499, MONDO:0033492, OMIM 617808.

Allele frequency attached by ClinVar (database versions not stated): ESP Exome Variant Server 0.00023; gnomAD 0.00436; TOPMed 0.00507; ExAC 0.00633; gnomAD exomes 0.00658; 1000 Genomes Project 30x 0.01483; 1000 Genomes Project 0.01657.
gnomAD v4.1: 3,857 of 1,614,122 alleles (0.24%); highest among the groups gnomAD compares: East Asian, 6.8%; 146 homozygotes.

Submissions (5):

Fulgent Genetics
Classification: Benign for Coffin-Siris syndrome 6. Last evaluated: 2021-07-19. Review status: criteria provided, single submitter. Criteria: ACMG Guidelines, 2015. Collection method: clinical testing. Allele origin: unknown.

GeneDx
Classification: Benign. Last evaluated: 2021-05-05. Review status: criteria provided, single submitter. Criteria: GeneDx Variant Classification Process June 2021. Collection method: clinical testing. Allele origin: germline. Affected: yes.

Labcorp Genetics (formerly Invitae), Labcorp
Classification: Benign. Last evaluated: 2019-12-31. Review status: criteria provided, single submitter. Criteria: Invitae Variant Classification Sherloc (09022015). Collection method: clinical testing. Allele origin: germline.

PreventionGenetics, part of Exact Sciences
Classification: Benign for ARID2-related condition. Last evaluated: 2019-04-15. Review status: no assertion criteria provided. Collection method: clinical testing. Allele origin: germline. Not counted in ClinVar's aggregate classification.
Comment: This variant is classified as benign based on ACMG/AMP sequence variant interpretation guidelines (Richards et al. 2015 PMID: 25741868, with internal and published modifications).

ITMI
No classification provided. Condition: AllHighlyPenetrant. Last evaluated: 2013-09-19. Review status: no classification provided. Collection method: reference population. Allele origin: germline. Not counted in ClinVar's aggregate classification.
Comment: Please see associated publication for description of ethnicities

Literature cited by the submitters: PubMed 24728327 (cited by ITMI).